The following is an entry in ClinVar:

ClinVar aggregate classification (germline): Uncertain significance (1 of 4 stars; one submission).

Conditions:
Hypertrophic cardiomyopathy. Also called: HYPERTROPHIC MYOCARDIOPATHY. Identifiers: Orphanet 217569, MedGen C0007194, MeSH D002312, MONDO:0005045, HP:0001639.

Submission:

Labcorp Genetics (formerly Invitae), Labcorp
Classification: Uncertain significance for Hypertrophic cardiomyopathy. Last evaluated: 2016-05-22. Review status: criteria provided, single submitter. Criteria: Invitae Variant Classification Sherloc (09022015). Collection method: clinical testing. Allele origin: germline.
Comment: In summary, this variant is a novel missense change with uncertain impact on protein function. It has been classified as a Variant of Uncertain Significance. Algorithms developed to predict the effect of missense changes on protein structure and function do not agree on the potential impact of this missense change (SIFT: "Tolerated"; PolyPhen-2: "Possibly Damaging"; Align-GVGD: "Class C0"). This variant is not present in population databases (ExAC no frequency) and has not been reported in the literature in individuals with a MYH7-related disease. This sequence change replaces methionine with valine at codon 684 of the MYH7 protein (p.Met684Val). The methionine residue is moderately conserved and there is a small physicochemical difference between methionine and valine.

NM_000257.4(MYH7):c.2050A>G (p.Met684Val)

Gene: MYH7 (myosin heavy chain 7; minus strand). Cytogenetic location: 14q11.2.
Variant type: single nucleotide variant.
Coding change: c.2050A>G on transcript NM_000257.4 (MANE Select); coding-DNA position 2050, A replaced by G.
Protein change: p.Met684Val; replaces methionine 684 with valine.
Molecular consequence: missense variant.
Genome position (GRCh38, 1-based): chr14:23,426,076, T>C on the plus strand (A>G on the coding strand, the complement: MYH7 is on the minus strand). VCF-style: chr14-23426076-T-C. GRCh37 (hg19) VCF-style: chr14-23895285-T-C.
Other names: c.2050A>G (LRG_384t1); short protein forms M684V.
Identifiers: ClinVar variation 407182 (VCV000407182.8), dbSNP rs1060501441, ClinGen allele CA16614414.